The following is an entry in ClinVar:

NM_001385125.1(OPN1SW):c.392T>C (p.Ile131Thr)

Gene: OPN1SW (opsin 1, short wave sensitive; minus strand). Cytogenetic location: 7q32.1.
Variant type: single nucleotide variant.
Coding change: c.392T>C on transcript NM_001385125.1 (MANE Select); coding-DNA position 392, T replaced by C.
Protein change: p.Ile131Thr; replaces isoleucine 131 with threonine.
Molecular consequence: missense variant.
Genome position (GRCh38, 1-based): chr7:128,775,106, A>G on the plus strand (T>C on the coding strand, the complement: OPN1SW is on the minus strand). VCF-style: chr7-128775106-A-G. GRCh37 (hg19) VCF-style: chr7-128415160-A-G.
Other names: short protein forms I131T.
Identifiers: ClinVar variation 1486249 (VCV001486249.6), dbSNP rs764109090, ClinGen allele CA4472952.

ClinVar aggregate classification (germline): Uncertain significance (1 of 4 stars; one submission).

Allele frequency attached by ClinVar (database versions not stated): gnomAD 0.00001; gnomAD exomes 0.00008; ExAC 0.00011.
gnomAD v4.1: 27 of 1,614,102 alleles (0.0017%); highest among the groups gnomAD compares: Admixed American, 0.035%; no homozygotes.

Submission:

Labcorp Genetics (formerly Invitae), Labcorp
Classification: Uncertain significance. Last evaluated: 2024-12-03. Review status: criteria provided, single submitter. Criteria: Invitae Variant Classification Sherloc (09022015). Collection method: clinical testing. Allele origin: germline.
Comment: This sequence change replaces isoleucine, which is neutral and non-polar, with threonine, which is neutral and polar, at codon 134 of the OPN1SW protein (p.Ile134Thr). This variant is present in population databases (rs764109090, gnomAD 0.05%), and has an allele count higher than expected for a pathogenic variant. This variant has not been reported in the literature in individuals affected with OPN1SW-related conditions. ClinVar contains an entry for this variant (Variation ID: 1486249). An algorithm developed to predict the effect of missense changes on protein structure and function (PolyPhen-2) suggests that this variant is likely to be tolerated. In summary, the available evidence is currently insufficient to determine the role of this variant in disease. Therefore, it has been classified as a Variant of Uncertain Significance.